The following is an entry in ClinVar:

NM_022336.4(EDAR):c.1037C>A (p.Thr346Lys)

Genes: EDAR (ectodysplasin A receptor; minus strand), RANBP2 (RAN binding protein 2; plus strand). Cytogenetic location: 2q13.
Variant type: single nucleotide variant.
Coding change: c.1037C>A on transcript NM_022336.4 (MANE Select); coding-DNA position 1037, C replaced by A.
Protein change: p.Thr346Lys; replaces threonine 346 with lysine.
Molecular consequence: missense variant.
Genome position (GRCh38, 1-based): chr2:108,897,217, G>T on the plus strand (C>A on the coding strand, the complement: EDAR is on the minus strand). VCF-style: chr2-108897217-G-T. GRCh37 (hg19) VCF-style: chr2-109513673-G-T.
Other names: short protein forms T346K.
Identifiers: ClinVar variation 3750749 (VCV003750749.2).

ClinVar aggregate classification (germline): Uncertain significance (1 of 4 stars; one submission).

Conditions:
Ectodermal dysplasia 10A, hypohidrotic/hair/nail type, autosomal dominant (ECTD10A). Also called: Ectodermal Dysplasia 3, Anhidrotic. Identifiers: Orphanet 1810, Orphanet 238468, MedGen C3888065, MONDO:0007509, OMIM 129490.
Autosomal recessive hypohidrotic ectodermal dysplasia syndrome. Also called: Autosomal recessive hypohidrotic ectodermal dysplasia. Identifiers: Orphanet 248, MedGen C0406702, MONDO:0016619.

Submission:

Labcorp Genetics (formerly Invitae), Labcorp
Classification: Uncertain significance for Ectodermal dysplasia 10A, hypohidrotic/hair/nail type, autosomal dominant; Autosomal recessive hypohidrotic ectodermal dysplasia syndrome. Last evaluated: 2025-01-29. Review status: criteria provided, single submitter. Criteria: Invitae Variant Classification Sherloc (09022015). Collection method: clinical testing. Allele origin: germline.
Comment: This sequence change replaces threonine, which is neutral and polar, with lysine, which is basic and polar, at codon 346 of the EDAR protein (p.Thr346Lys). This variant is not present in population databases (gnomAD no frequency). This variant has not been reported in the literature in individuals affected with EDAR-related conditions. Invitae Evidence Modeling of protein sequence and biophysical properties (such as structural, functional, and spatial information, amino acid conservation, physicochemical variation, residue mobility, and thermodynamic stability) has been performed for this missense variant. However, the output from this modeling did not meet the statistical confidence thresholds required to predict the impact of this variant on EDAR protein function. In summary, the available evidence is currently insufficient to determine the role of this variant in disease. Therefore, it has been classified as a Variant of Uncertain Significance.